The following is an entry in ClinVar:

NM_005612.5(REST):c.3143A>G (p.Lys1048Arg)

Gene: REST (RE1 silencing transcription factor; plus strand). Cytogenetic location: 4q12.
Variant type: single nucleotide variant.
Coding change: c.3143A>G on transcript NM_005612.5 (MANE Select); coding-DNA position 3143, A replaced by G.
Protein change: p.Lys1048Arg; replaces lysine 1048 with arginine.
Molecular consequence: missense variant.
Genome position (GRCh38, 1-based): chr4:56,932,001, A>G. VCF-style: chr4-56932001-A-G. GRCh37 (hg19) VCF-style: chr4-57798167-A-G.
Other names: c.3143A>G, p.Lys1048Arg (NM_001193508.2, NM_001363453.3); c.3143A>G (NM_005612.4); short protein forms K1048R.
Identifiers: ClinVar variation 2890059 (VCV002890059.4), dbSNP rs1369937901, ClinGen allele CA357010304.

ClinVar aggregate classification (germline): Uncertain significance. Review status: criteria provided, multiple submitters, no conflicts (2 of 4 stars). 2 submissions from 2 submitters: Uncertain significance (2). Last evaluated 2025-08-22.

Conditions:
Inborn genetic diseases. Identifiers: MedGen C0950123, MeSH D030342.

Allele frequency attached by ClinVar (database versions not stated): TOPMed below 0.00001; gnomAD 0.00001; gnomAD exomes 0.00001.
gnomAD v4.1: 12 of 1,614,132 alleles (0.00074%); highest among the groups gnomAD compares: Middle Eastern, 0.049%; no homozygotes.

Submissions (2):

Ambry Genetics
Classification: Uncertain significance for Inborn genetic diseases. Last evaluated: 2025-08-22. Review status: criteria provided, single submitter. Criteria: Ambry Variant Classification Scheme 2023. Collection method: clinical testing. Allele origin: germline.

Labcorp Genetics (formerly Invitae), Labcorp
Classification: Uncertain significance. Last evaluated: 2024-01-10. Review status: criteria provided, single submitter. Criteria: Invitae Variant Classification Sherloc (09022015). Collection method: clinical testing. Allele origin: germline.
Comment: This sequence change replaces lysine, which is basic and polar, with arginine, which is basic and polar, at codon 1048 of the REST protein (p.Lys1048Arg). This variant is present in population databases (no rsID available, gnomAD 0.002%). This variant has not been reported in the literature in individuals affected with REST-related conditions. An algorithm developed to predict the effect of missense changes on protein structure and function (PolyPhen-2) suggests that this variant is likely to be tolerated. In summary, the available evidence is currently insufficient to determine the role of this variant in disease. Therefore, it has been classified as a Variant of Uncertain Significance.